The following is an entry in ClinVar:

NM_012330.4(KAT6B):c.2666C>G (p.Ser889Cys)

Gene: KAT6B (lysine acetyltransferase 6B; plus strand). Cytogenetic location: 10q22.2.
Variant type: single nucleotide variant.
Coding change: c.2666C>G on transcript NM_012330.4 (MANE Select); coding-DNA position 2666, C replaced by G.
Protein change: p.Ser889Cys; replaces serine 889 with cysteine.
Molecular consequence: missense variant.
Genome position (GRCh38, 1-based): chr10:75,020,618, C>G. VCF-style: chr10-75020618-C-G. GRCh37 (hg19) VCF-style: chr10-76780376-C-G.
Other names: c.2117C>G, p.Ser706Cys (NM_001256468.2, NM_001370138.1); c.1790C>G, p.Ser597Cys (NM_001256469.2, NM_001370139.1, NM_001370140.1 and 2 more transcripts); c.1628C>G, p.Ser543Cys (NM_001370132.1); c.977C>G, p.Ser326Cys (NM_001370133.1); c.581C>G, p.Ser194Cys (NM_001370134.1); c.323C>G, p.Ser108Cys (NM_001370135.1); c.2666C>G, p.Ser889Cys (NM_001370136.1, NM_001370137.1); c.1601C>G, p.Ser534Cys (NM_001370143.1, NM_001370144.1); short protein forms S108C, S194C, S326C, S534C, S543C, S597C, S706C, S889C.
Identifiers: ClinVar variation 1714059 (VCV001714059.6), dbSNP rs1158475738, ClinGen allele CA377280594.

ClinVar aggregate classification (germline): Uncertain significance (1 of 4 stars; one submission).

Conditions:
Genitopatellar syndrome (GTPTS). Also called: Genitopatellar syndrome (GPS); ABSENT PATELLAE, SCROTAL HYPOPLASIA, RENAL ANOMALIES, FACIAL DYSMORPHISM, AND MENTAL RETARDATION. Identifiers: Orphanet 85201, MedGen C1853566, MONDO:0011640, OMIM 606170.

Allele frequency attached by ClinVar (database versions not stated): gnomAD exomes below 0.00001.
gnomAD v4.1: 1 of 1,614,234 alleles (0.000062%); highest among the groups gnomAD compares: Non-Finnish European, 0.000085%; no homozygotes.

Submission:

Labcorp Genetics (formerly Invitae), Labcorp
Classification: Uncertain significance for Genitopatellar syndrome. Last evaluated: 2022-07-29. Review status: criteria provided, single submitter. Criteria: Invitae Variant Classification Sherloc (09022015). Collection method: clinical testing. Allele origin: germline.
Comment: This variant is not present in population databases (gnomAD no frequency). This sequence change replaces serine, which is neutral and polar, with cysteine, which is neutral and slightly polar, at codon 889 of the KAT6B protein (p.Ser889Cys). This variant has not been reported in the literature in individuals affected with KAT6B-related conditions. In summary, the available evidence is currently insufficient to determine the role of this variant in disease. Therefore, it has been classified as a Variant of Uncertain Significance. Algorithms developed to predict the effect of missense changes on protein structure and function are either unavailable or do not agree on the potential impact of this missense change (SIFT: "Deleterious"; PolyPhen-2: "Probably Damaging"; Align-GVGD: "Class C0").